The following is an entry in ClinVar:

NM_020708.5(SLC12A5):c.1072C>G (p.Leu358Val)

Gene: SLC12A5 (solute carrier family 12 member 5; plus strand). Cytogenetic location: 20q13.12.
Variant type: single nucleotide variant.
Coding change: c.1072C>G on transcript NM_020708.5 (MANE Select); coding-DNA position 1072, C replaced by G.
Protein change: p.Leu358Val; replaces leucine 358 with valine.
Molecular consequence: missense variant.
Genome position (GRCh38, 1-based): chr20:46,043,158, C>G. VCF-style: chr20-46043158-C-G. GRCh37 (hg19) VCF-style: chr20-44671797-C-G.
Other names: c.1141C>G, p.Leu381Val (NM_001134771.2); c.1141C>G (NM_001134771.1); short protein forms L381V, L358V.
Identifiers: ClinVar variation 969021 (VCV000969021.12), dbSNP rs200514600, ClinGen allele CA9887248.

ClinVar aggregate classification (germline): Uncertain significance. Review status: criteria provided, multiple submitters, no conflicts (2 of 4 stars). 3 submissions from 3 submitters: Uncertain significance (3). Last evaluated 2025-09-24.

Conditions:
Developmental and epileptic encephalopathy, 34 (DEE34). Also called: Early infantile epileptic encephalopathy 34; SLC12A5-Related Epilepsy of Infancy with Migrating Focal Seizures. Identifiers: Orphanet 293181, MedGen C4225257, MONDO:0014718, OMIM 616645.

Allele frequency attached by ClinVar (database versions not stated): gnomAD exomes 0.00002 and 0.00001; gnomAD 0.00001; TOPMed 0.00001; ExAC 0.00002.
gnomAD v4.1: 32 of 1,613,594 alleles (0.002%); highest among the groups gnomAD compares: Non-Finnish European, 0.0025%; no homozygotes.

Submissions (3):

Ambry Genetics
Classification: Uncertain significance. Last evaluated: 2025-09-24. Review status: criteria provided, single submitter. Criteria: Ambry Variant Classification Scheme 2023. Collection method: clinical testing. Allele origin: germline.

Labcorp Genetics (formerly Invitae), Labcorp
Classification: Uncertain significance for Developmental and epileptic encephalopathy, 34. Last evaluated: 2024-08-12. Review status: criteria provided, single submitter. Criteria: Invitae Variant Classification Sherloc (09022015). Collection method: clinical testing. Allele origin: germline.
Comment: This sequence change replaces leucine, which is neutral and non-polar, with valine, which is neutral and non-polar, at codon 358 of the SLC12A5 protein (p.Leu358Val). This variant is present in population databases (rs200514600, gnomAD 0.003%). This variant has not been reported in the literature in individuals affected with SLC12A5-related conditions. ClinVar contains an entry for this variant (Variation ID: 969021). Advanced modeling of protein sequence and biophysical properties (such as structural, functional, and spatial information, amino acid conservation, physicochemical variation, residue mobility, and thermodynamic stability) performed at Invitae indicates that this missense variant is not expected to disrupt SLC12A5 protein function with a negative predictive value of 80%. In summary, the available evidence is currently insufficient to determine the role of this variant in disease. Therefore, it has been classified as a Variant of Uncertain Significance.

Laboratorio de Genetica e Diagnostico Molecular, Hospital Israelita Albert Einstein
Classification: Uncertain significance. Last evaluated: 2019-10-06. Review status: criteria provided, single submitter. Criteria: ACMG Guidelines, 2015. Collection method: clinical testing. Allele origin: germline. Affected: yes.
Comment: ACMG classification criteria: PM2, PP3